The following is an entry in ClinVar:

ClinVar aggregate classification (germline): Likely benign (1 of 4 stars; one submission).

gnomAD v4.1: 4 of 1,614,076 alleles (0.00025%); highest among the groups gnomAD compares: Middle Eastern, 0.016%; no homozygotes.

Submission:

CeGaT Center for Human Genetics Tuebingen
Classification: Likely benign. Last evaluated: 2026-07-01. Review status: criteria provided, single submitter. Criteria: CeGaT Center For Human Genetics Tuebingen Variant Classification Criteria Version 2. Collection method: clinical testing. Allele origin: germline. Affected: yes. Observed: 1 variant allele.
Comment: MRAP: BP4, BP7

NM_001379228.1(MRAP):c.120C>T (p.Ile40=)

Genes: MRAP (melanocortin 2 receptor accessory protein; plus strand), MRAP-AS1 (MRAP antisense RNA 1; minus strand), LOC125418060 (Sharpr-MPRA regulatory region 333; plus strand). Cytogenetic location: 21q22.11.
Variant type: single nucleotide variant.
Coding change: c.120C>T on transcript NM_001379228.1 (MANE Select); coding-DNA position 120, C replaced by T.
Protein change: p.Ile40=; no amino-acid change (isoleucine 40 retained).
Molecular consequence: synonymous variant. On other transcripts: non-coding transcript variant (1), 5 prime UTR variant (1).
Genome position (GRCh38, 1-based): chr21:32,306,653, C>T. VCF-style: chr21-32306653-C-T. GRCh37 (hg19) VCF-style: chr21-33678964-C-T.
Other names: c.-58C>T (NM_001285394.2); c.120C>T, p.Ile40= (NM_178817.4, NM_206898.2).
Identifiers: ClinVar variation 5039213 (VCV005039213.1).